The following is an entry in ClinVar:

NM_001754.5(RUNX1):c.421T>C (p.Ser141Pro)

Genes: RUNX1 (RUNX family transcription factor 1; minus strand), RUNX1-AS1 (RUNX1 antisense RNA 1; plus strand). Cytogenetic location: 21q22.12.
Variant type: single nucleotide variant.
Coding change: c.421T>C on transcript NM_001754.5 (MANE Select); coding-DNA position 421, T replaced by C.
Protein change: p.Ser141Pro; replaces serine 141 with proline.
Molecular consequence: missense variant.
Genome position (GRCh38, 1-based): chr21:34,880,644, A>G on the plus strand (T>C on the coding strand, the complement: RUNX1 is on the minus strand). VCF-style: chr21-34880644-A-G. GRCh37 (hg19) VCF-style: chr21-36252941-A-G.
Other names: NM_001754.5(RUNX1):c.421T>C; p.Ser141Pro; c.340T>C, p.Ser114Pro (NM_001001890.3, NM_001122607.2); short protein forms S114P, S141P.
Identifiers: ClinVar variation 2628467 (VCV002628467.5), dbSNP rs1182543054, ClinGen allele CA410202645.
Genomic context (GRCh38, chr21:34,880,644, plus strand): 5'-GGTCATTAAATCTTGCAACCTGGTTCTTCATGGCTGCGGTAGCATTTCTCAGCTCAGCCG[A>G]GTAGTTTTCATCATTGCCAGCCATCACAGTGACCAGAGTGCCATCTGGAACATCCCCTAG-3'
Protein context (NP_001745.2, residues 131-151): TVMAGNDENY[Ser141Pro]AELRNATAAM

ClinVar aggregate classification (germline): Uncertain significance. Review status: reviewed by expert panel (3 of 4 stars). 3 submissions from 3 submitters: Uncertain significance (1). 2 of the submissions do not count toward it. Last evaluated 2025-01-15.

Conditions:
Hereditary thrombocytopenia and hematological cancer predisposition syndrome associated with RUNX1. Also called: PLATELET DISORDER, ASPIRIN-LIKE; RUNX1 Familial Platelet Disorder with Associated Myeloid Malignancies; Familial Platelet Disorder with Propensity to Acute Myelogenous Leukemia; Familial thrombocytopenia with propensity to acute myelogenous leukemia. Identifiers: Orphanet 71290, MedGen C1832388, MeSH C563324, MONDO:0100083, OMIM 601399.
Hereditary thrombocytopenia and hematologic cancer predisposition syndrome. Identifiers: Orphanet 71290, MedGen CN281654, MONDO:0011071.
RUNX1-related disorder. Also called: RUNX1-related condition.

Submissions (3):

ClinGen Myeloid Malignancy Variant Curation Expert Panel
Classification: Uncertain significance for Hereditary thrombocytopenia and hematologic cancer predisposition syndrome. Last evaluated: 2025-01-15. Review status: reviewed by expert panel. Criteria: ClinGen MyeloMalig ACMG Specifications v2. Collection method: curation. Allele origin: germline. Inheritance: Autosomal dominant inheritance.
Comment: NM_001754.5(RUNX1):c.421T>C (p.Ser141Pro) is a missense variant which has a REVEL score ≥ 0.88 (0.97) (PP3). This variant affects a residue within the Runt Homology domain (AA 89-204) but does not affect an established hotspot residue (PM1_Supporting). This variant is completely absent from all population databases with at least 20x coverage for RUNX1 (PM2_Supporting). In summary, the clinical significance of this variant is uncertain. ACMG/AMP criteria applied, as specified by the Myeloid Malignancy Variant Curation Expert Panel for RUNX1: PP3, PM1_supporting, PM2_supporting.

Labcorp Genetics (formerly Invitae), Labcorp
Classification: Uncertain significance for Hereditary thrombocytopenia and hematological cancer predisposition syndrome associated with RUNX1. Last evaluated: 2022-12-03. Review status: criteria provided, single submitter. Criteria: Invitae Variant Classification Sherloc (09022015). Collection method: clinical testing. Allele origin: germline. Not counted in ClinVar's aggregate classification.
Comment: In summary, the available evidence is currently insufficient to determine the role of this variant in disease. Therefore, it has been classified as a Variant of Uncertain Significance. Advanced modeling of protein sequence and biophysical properties (such as structural, functional, and spatial information, amino acid conservation, physicochemical variation, residue mobility, and thermodynamic stability) performed at Invitae indicates that this missense variant is expected to disrupt RUNX1 protein function. This variant has not been reported in the literature in individuals affected with RUNX1-related conditions. This variant is not present in population databases (gnomAD no frequency). This sequence change replaces serine, which is neutral and polar, with proline, which is neutral and non-polar, at codon 141 of the RUNX1 protein (p.Ser141Pro).

PreventionGenetics, part of Exact Sciences
Classification: Uncertain significance for RUNX1-related condition. Last evaluated: 2022-10-24. Review status: criteria provided, single submitter. Criteria: ACMG Guidelines, 2015. Collection method: clinical testing. Allele origin: germline. Not counted in ClinVar's aggregate classification.
Comment: The RUNX1 c.421T>C variant is predicted to result in the amino acid substitution p.Ser141Pro. To our knowledge, this variant has not been reported in the literature or in a large population database, indicating this variant is rare. At this time, the clinical significance of this variant is uncertain due to the absence of conclusive functional and genetic evidence.